The following is an entry in ClinVar:

NM_001011551.3(C1GALT1C1):c.338T>C (p.Met113Thr)

Gene: C1GALT1C1 (C1GALT1 specific chaperone 1; minus strand). Cytogenetic location: Xq24.
Variant type: single nucleotide variant.
Coding change: c.338T>C on transcript NM_001011551.3 (MANE Select); coding-DNA position 338, T replaced by C.
Protein change: p.Met113Thr; replaces methionine 113 with threonine.
Molecular consequence: missense variant.
Genome position (GRCh38, 1-based): chrX:120,626,829, A>G on the plus strand (T>C on the coding strand, the complement: C1GALT1C1 is on the minus strand). VCF-style: chrX-120626829-A-G. GRCh37 (hg19) VCF-style: chrX-119760684-A-G.
Other names: c.338T>C, p.Met113Thr (NM_152692.5); short protein forms M113T.
Identifiers: ClinVar variation 2961365 (VCV002961365.3), dbSNP rs2521330780, ClinGen allele CA414209257.

ClinVar aggregate classification (germline): Uncertain significance (1 of 4 stars; one submission).

Conditions:
Polyagglutinable erythrocyte syndrome (TNPS). Also called: GALACTOSYLTRANSFERASE DEFICIENCY; TN POLYAGGLUTINATION SYNDROME; TN POLYAGGLUTINATION SYNDROME, SOMATIC. Identifiers: MedGen C0272137, MONDO:0010381, OMIM 300622.

Allele frequency attached by ClinVar (database versions not stated): gnomAD exomes below 0.00001.

Submission:

Labcorp Genetics (formerly Invitae), Labcorp
Classification: Uncertain significance for Polyagglutinable erythrocyte syndrome. Last evaluated: 2024-10-07. Review status: criteria provided, single submitter. Criteria: Invitae Variant Classification Sherloc (09022015). Collection method: clinical testing. Allele origin: germline.
Comment: This sequence change replaces methionine, which is neutral and non-polar, with threonine, which is neutral and polar, at codon 113 of the C1GALT1C1 protein (p.Met113Thr). This variant is not present in population databases (gnomAD no frequency). This variant has not been reported in the literature in individuals affected with C1GALT1C1-related conditions. Invitae Evidence Modeling of protein sequence and biophysical properties (such as structural, functional, and spatial information, amino acid conservation, physicochemical variation, residue mobility, and thermodynamic stability) indicates that this missense variant is not expected to disrupt C1GALT1C1 protein function with a negative predictive value of 80%. In summary, the available evidence is currently insufficient to determine the role of this variant in disease. Therefore, it has been classified as a Variant of Uncertain Significance.